The following is an entry in ClinVar:

ClinVar aggregate classification (germline): Uncertain significance (1 of 4 stars; one submission).

Conditions:
Rhabdoid tumor predisposition syndrome 2 (RTPS2). Identifiers: Orphanet 231108, Orphanet 69077, MedGen C2750074, MONDO:0013224, OMIM 613325.

gnomAD v4.1: 1 of 1,613,034 alleles (0.000062%); highest among the groups gnomAD compares: Non-Finnish European, 0.000085%; no homozygotes.

Submission:

Labcorp Genetics (formerly Invitae), Labcorp
Classification: Uncertain significance for Rhabdoid tumor predisposition syndrome 2. Last evaluated: 2025-01-01. Review status: criteria provided, single submitter. Criteria: Invitae Variant Classification Sherloc (09022015). Collection method: clinical testing. Allele origin: germline.
Comment: This sequence change replaces asparagine, which is neutral and polar, with serine, which is neutral and polar, at codon 291 of the SMARCA4 protein (p.Asn291Ser). This variant is not present in population databases (gnomAD no frequency). This variant has not been reported in the literature in individuals affected with SMARCA4-related conditions. ClinVar contains an entry for this variant (Variation ID: 838487). An algorithm developed to predict the effect of missense changes on protein structure and function (PolyPhen-2) suggests that this variant is likely to be tolerated. In summary, the available evidence is currently insufficient to determine the role of this variant in disease. Therefore, it has been classified as a Variant of Uncertain Significance.

NM_003072.5(SMARCA4):c.872A>G (p.Asn291Ser)

Gene: SMARCA4 (SWI/SNF related BAF chromatin remodeling complex subunit ATPase 4; plus strand). Cytogenetic location: 19p13.2.
Variant type: single nucleotide variant.
Coding change: c.872A>G on transcript NM_003072.5 (MANE Select); coding-DNA position 872, A replaced by G.
Protein change: p.Asn291Ser; replaces asparagine 291 with serine.
Molecular consequence: missense variant. On other transcripts: non-coding transcript variant (1).
Genome position (GRCh38, 1-based): chr19:10,987,678, A>G. VCF-style: chr19-10987678-A-G. GRCh37 (hg19) VCF-style: chr19-11098354-A-G.
Other names: c.872A>G, p.Asn291Ser (NM_001128844.3, NM_001128845.2, NM_001128846.2 and 4 more transcripts); short protein forms N291S.
Identifiers: ClinVar variation 838487 (VCV000838487.9), dbSNP rs751791309, ClinGen allele CA404058326.